The following is an entry in ClinVar:

NM_001367624.2(ZNF469):c.2128_2130delinsTCC (p.Pro710Ser)

Gene: ZNF469 (zinc finger protein 469; plus strand). Cytogenetic location: 16q24.2.
Variant type: Indel.
Coding change: c.2128_2130delinsTCC on transcript NM_001367624.2 (MANE Select); coding-DNA positions 2128 to 2130, CCT replaced by TCC.
Protein change: p.Pro710Ser; replaces proline 710 with serine.
Molecular consequence: missense variant.
Genome position (GRCh38, 1-based): chr16:88,429,598-88,429,600, CCT replaced by TCC. VCF-style: chr16-88429598-CCT-TCC. GRCh37 (hg19) VCF-style: chr16-88496006-CCT-TCC.
Other names: NM_001127464.1:c.2128_2130delCCTinsTCC; short protein forms P710S.
Identifiers: ClinVar variation 3258201 (VCV003258201.1).

ClinVar aggregate classification (germline): Uncertain significance (1 of 4 stars; one submission).

Conditions:
Cardiovascular phenotype. Identifiers: MedGen CN230736.

Submission:

Ambry Genetics
Classification: Uncertain significance for Cardiovascular phenotype. Last evaluated: 2024-03-29. Review status: criteria provided, single submitter. Criteria: Ambry Variant Classification Scheme 2023. Collection method: clinical testing. Allele origin: germline.
Comment: The c.2128_2130delCCTinsTCC variant (also known as p.P710S), located in coding exon 1 of the ZNF469 gene, results from an in-frame deletion of CCT and insertion of TCC at nucleotide positions 2128 to 2130. This results in the substitution of the proline residue for a serine residue at codon 710, an amino acid with similar properties. This amino acid position is highly conserved in available vertebrate species. In addition, the in silico prediction for this alteration is inconclusive (Choi Y et al. PLoS ONE. 2012; 7(10):e46688). Based on data from gnomAD, this allele has an overall frequency of 0.0014% (2/147264) total alleles studied. The highest observed frequency was 0.0036% (2/55396) of European (non-Finnish) alleles. Based on the available evidence, the clinical significance of this alteration remains unclear.